The following is an entry in ClinVar:

ClinVar aggregate classification (germline): Conflicting classifications of pathogenicity. Review status: criteria provided, conflicting classifications (1 of 4 stars). 7 submissions from 5 submitters: Likely pathogenic (2); Uncertain significance (1). 4 of the submissions do not count toward it. Last evaluated 2024-12-27.

Conditions:
DYNC2I1-related disorder. Also called: DYNC2I1-related condition.
Jeune thoracic dystrophy. Also called: Short-rib thoracic dysplasia; Jeune syndrome; Infantile thoracic dystrophy; Thoracic pelvic phalangeal dystrophy; Jeune's syndrome; Chondroectodermal dysplasia-like syndrome. Identifiers: Orphanet 474, MedGen C0265275, MONDO:0018770.
Short-rib thoracic dysplasia 8 with or without polydactyly (SRTD8). Also called: SHORT-RIB THORACIC DYSPLASIA 8 WITH POLYDACTYLY. Identifiers: Orphanet 93271, MedGen C3809691, MONDO:0014214, OMIM 615503.
Asphyxiating thoracic dystrophy 3. Also called: SHORT-RIB THORACIC DYSPLASIA 3 WITH OR WITHOUT POLYDACTYLY; POLYDACTYLY WITH NEONATAL CHONDRODYSTROPHY, TYPE I; SHORT-RIB THORACIC DYSPLASIA 3/6 WITH POLYDACTYLY, DIGENIC; Saldino-Noonan Syndrome; Short rib polydactyly syndrome 2B. Identifiers: Orphanet 474, Orphanet 93269, Orphanet 93270, Orphanet 93271, MedGen C0036069, MONDO:0013127, OMIM 613091.

Allele frequency attached by ClinVar (database versions not stated): TOPMed 0.00002; ExAC 0.00004; gnomAD exomes 0.00004.
gnomAD v4.1: 9 of 1,613,652 alleles (0.00056%); highest among the groups gnomAD compares: Admixed American, 0.015%; no homozygotes.

Submissions (7):

PreventionGenetics, part of Exact Sciences
Classification: Likely pathogenic for DYNC2I1-related condition. Last evaluated: 2024-12-27. Review status: criteria provided, single submitter. Criteria: ACMG Guidelines, 2015. Collection method: clinical testing. Allele origin: germline.
Comment: The DYNC2I1 c.2305G>A variant is predicted to result in the amino acid substitution p.Glu769Lys. This variant has been reported in the homozygous and compound heterozygous state in two individuals affected with DYNC2I1-related disease (Table S2 ISDR Case # R04-477 and R91-028 in Zhang et al. 2018. PubMed ID: 29068549). At PreventionGenetics, we have observed this variant in the homozygous state in two affected patients. This variant is interpreted as pathogenic or likely pathogenic in the ClinVar database. This variant is reported in 0.029% of alleles in individuals of Latino descent in gnomAD. Based on the available evidence, we classify this variant as likely pathogenic.

Center for Personalized Medicine, Children's Hospital Los Angeles
Classification: Likely pathogenic. Last evaluated: 2022-12-21. Review status: criteria provided, single submitter. Criteria: ACMG Guidelines, 2015. Collection method: clinical testing. Allele origin: biparental. Affected: yes.

Labcorp Genetics (formerly Invitae), Labcorp
Classification: Uncertain significance for Short-rib thoracic dysplasia 8 with or without polydactyly. Last evaluated: 2021-08-28. Review status: criteria provided, single submitter. Criteria: Invitae Variant Classification Sherloc (09022015). Collection method: clinical testing. Allele origin: germline.
Comment: In summary, the available evidence is currently insufficient to determine the role of this variant in disease. Therefore, it has been classified as a Variant of Uncertain Significance. Algorithms developed to predict the effect of missense changes on protein structure and function are either unavailable or do not agree on the potential impact of this missense change (SIFT: "Tolerated"; PolyPhen-2: "Possibly Damaging"; Align-GVGD: "Class C0"). This variant has been observed in individual(s) with short-rib thoracic dysplasia (PMID: 29068549, Invitae). ClinVar contains an entry for this variant (Variation ID: 446627). This variant is present in population databases (rs193204571, ExAC 0.04%). This sequence change replaces glutamic acid with lysine at codon 769 of the WDR60 protein (p.Glu769Lys). The glutamic acid residue is moderately conserved and there is a small physicochemical difference between glutamic acid and lysine.

Dan Cohn Lab, University Of California Los Angeles
Classification: Pathogenic for Asphyxiating thoracic dystrophy. Last evaluated: 2017-06-01. Review status: no assertion criteria provided. Collection method: research. Allele origin: unknown. Affected: yes. Not counted in ClinVar's aggregate classification.

Dan Cohn Lab, University Of California Los Angeles
Classification: Pathogenic for Asphyxiating thoracic dystrophy 3. Last evaluated: 2017-06-01. Review status: no assertion criteria provided. Collection method: research. Allele origin: unknown. Affected: yes. Not counted in ClinVar's aggregate classification.

University of Washington Center for Mendelian Genomics, University of Washington
Classification: Likely pathogenic for asphyxiating thoracic dystrophy. Review status: no assertion criteria provided. Collection method: research. Allele origin: inherited. Affected: yes. Not counted in ClinVar's aggregate classification.

University of Washington Center for Mendelian Genomics, University of Washington
Classification: Likely pathogenic for Asphyxiating thoracic dystrophy 3. Review status: no assertion criteria provided. Collection method: research. Allele origin: inherited. Affected: yes. Not counted in ClinVar's aggregate classification.

Literature cited by the submitters: PubMed 29068549 (cited by 3 submitters).

NM_018051.5(DYNC2I1):c.2305G>A (p.Glu769Lys)

Gene: DYNC2I1 (dynein 2 intermediate chain 1; plus strand). Cytogenetic location: 7q36.3.
Variant type: single nucleotide variant.
Coding change: c.2305G>A on transcript NM_018051.5 (MANE Select); coding-DNA position 2305, G replaced by A.
Protein change: p.Glu769Lys; replaces glutamic acid 769 with lysine.
Molecular consequence: missense variant.
Genome position (GRCh38, 1-based): chr7:158,926,234, G>A. VCF-style: chr7-158926234-G-A. GRCh37 (hg19) VCF-style: chr7-158718925-G-A.
Other names: c.2167G>A, p.Glu723Lys (NM_001350914.2); c.1732G>A, p.Glu578Lys (NM_001350915.2); c.844G>A, p.Glu282Lys (NM_001350916.2); c.1057G>A, p.Glu353Lys (NM_001350917.2, NM_001350918.2); short protein forms E769K, E353K, E723K, E282K, E578K.
Identifiers: ClinVar variation 446627 (VCV000446627.15), dbSNP rs193204571, ClinGen allele CA4594938.
Genomic context (GRCh38, chr7:158,926,234, plus strand): 5'-TTTTGAACTCCAGATGGAATCCTTACCTCAGTAAACCACCGAAGCCCTCTTCAAGCAGTA[G>A]AACCTATCTCAACGTCCGTCCACAAAAAGCAGAGCTTTGTGCTTTCACCCTTTTCTACTC-3'
Protein context (NP_060521.4, residues 759-779): VNHRSPLQAV[Glu769Lys]PISTSVHKKQ